The following is an entry in ClinVar:

ClinVar aggregate classification (germline): Uncertain significance (1 of 4 stars; one submission).

Conditions:
Microcephaly-intellectual disability-sensorineural hearing loss-epilepsy-abnormal muscle tone syndrome (NEDHSB). Also called: NEURODEVELOPMENTAL DISORDER WITH HEARING LOSS, SEIZURES, AND BRAIN ABNORMALITIES. Identifiers: Orphanet 457351, MedGen C4225276, MONDO:0014698, OMIM 616577.

Submission:

Labcorp Genetics (formerly Invitae), Labcorp
Classification: Uncertain significance for Microcephaly-intellectual disability-sensorineural hearing loss-epilepsy-abnormal muscle tone syndrome. Last evaluated: 2020-08-27. Review status: criteria provided, single submitter. Criteria: Invitae Variant Classification Sherloc (09022015). Collection method: clinical testing. Allele origin: germline.
Comment: This sequence change affects codon 486 of the SPATA5 mRNA. It is a 'silent' change, meaning that it does not change the encoded amino acid sequence of the SPATA5 protein. This variant is not present in population databases (ExAC no frequency). This variant has not been reported in the literature in individuals with SPATA5-related conditions. Algorithms developed to predict the effect of sequence changes on RNA splicing suggest that this variant is not likely to affect RNA splicing, but this prediction has not been confirmed by published transcriptional studies. In summary, the available evidence is currently insufficient to determine the role of this variant in disease. Therefore, it has been classified as a Variant of Uncertain Significance.

NM_145207.3(AFG2A):c.1458A>T (p.Ser486=)

Gene: AFG2A (AAA ATPase AFG2A; plus strand). Cytogenetic location: 4q28.1.
Variant type: single nucleotide variant.
Coding change: c.1458A>T on transcript NM_145207.3 (MANE Select); coding-DNA position 1458, A replaced by T.
Protein change: p.Ser486=; no amino-acid change (serine 486 retained).
Molecular consequence: synonymous variant.
Genome position (GRCh38, 1-based): chr4:122,938,249, A>T. VCF-style: chr4-122938249-A-T. GRCh37 (hg19) VCF-style: chr4-123859404-A-T.
Other names: c.1455A>T, p.Ser485= (NM_001317799.2, NM_001345856.2).
Identifiers: ClinVar variation 1015607 (VCV001015607.4), dbSNP rs1729208175, ClinGen allele CA441204357.